The following is an entry in ClinVar:

NM_001197104.2(KMT2A):c.9134A>G (p.Gln3045Arg)

Gene: KMT2A (lysine methyltransferase 2A; plus strand). Cytogenetic location: 11q23.3.
Variant type: single nucleotide variant.
Coding change: c.9134A>G on transcript NM_001197104.2 (MANE Select); coding-DNA position 9134, A replaced by G.
Protein change: p.Gln3045Arg; replaces glutamine 3045 with arginine.
Molecular consequence: missense variant.
Genome position (GRCh38, 1-based): chr11:118,505,026, A>G. VCF-style: chr11-118505026-A-G. GRCh37 (hg19) VCF-style: chr11-118375741-A-G.
Other names: c.9224A>G, p.Gln3075Arg (NM_001412597.1); c.9125A>G, p.Gln3042Arg (NM_005933.4); short protein forms Q3042R, Q3045R, Q3075R.
Identifiers: ClinVar variation 2877494 (VCV002877494.3), dbSNP rs1296038515, ClinGen allele CA382818546.

ClinVar aggregate classification (germline): Uncertain significance (1 of 4 stars; one submission).

Allele frequency attached by ClinVar (database versions not stated): gnomAD exomes below 0.00001; gnomAD 0.00001.

Submission:

Labcorp Genetics (formerly Invitae), Labcorp
Classification: Uncertain significance. Last evaluated: 2024-01-18. Review status: criteria provided, single submitter. Criteria: Invitae Variant Classification Sherloc (09022015). Collection method: clinical testing. Allele origin: germline.
Comment: This sequence change replaces glutamine, which is neutral and polar, with arginine, which is basic and polar, at codon 3045 of the KMT2A protein (p.Gln3045Arg). This variant is present in population databases (no rsID available, gnomAD 0.007%). This variant has not been reported in the literature in individuals affected with KMT2A-related conditions. Advanced modeling of protein sequence and biophysical properties (such as structural, functional, and spatial information, amino acid conservation, physicochemical variation, residue mobility, and thermodynamic stability) performed at Invitae indicates that this missense variant is not expected to disrupt KMT2A protein function with a negative predictive value of 95%. In summary, the available evidence is currently insufficient to determine the role of this variant in disease. Therefore, it has been classified as a Variant of Uncertain Significance.